The following is an entry in ClinVar:

NM_004100.5(EYA4):c.1463T>A (p.Val488Glu)

Genes: EYA4 (EYA transcriptional coactivator and phosphatase 4; plus strand), TARID (TCF21 antisense RNA inducing promoter demethylation; minus strand). Cytogenetic location: 6q23.2.
Variant type: single nucleotide variant.
Coding change: c.1463T>A on transcript NM_004100.5 (MANE Select); coding-DNA position 1463, T replaced by A.
Protein change: p.Val488Glu; replaces valine 488 with glutamic acid.
Molecular consequence: missense variant.
Genome position (GRCh38, 1-based): chr6:133,513,000, T>A. VCF-style: chr6-133513000-T-A. GRCh37 (hg19) VCF-style: chr6-133834138-T-A.
Other names: c.1301T>A, p.Val434Glu (NM_001301012.2); c.1481T>A, p.Val494Glu (NM_001301013.2); c.1394T>A, p.Val465Glu (NM_001370458.1, NM_172103.4); c.1319T>A, p.Val440Glu (NM_001370459.1); c.1463T>A, p.Val488Glu (NM_172105.4); short protein forms V434E, V440E, V465E, V488E, V494E.
Identifiers: ClinVar variation 1327221 (VCV001327221.2), dbSNP rs771071030, ClinGen allele CA365715448.

ClinVar aggregate classification (germline): Uncertain significance (1 of 4 stars; one submission).

Submission:

GeneDx
Classification: Uncertain significance. Last evaluated: 2021-06-04. Review status: criteria provided, single submitter. Criteria: GeneDx Variant Classification Process June 2021. Collection method: clinical testing. Allele origin: germline. Affected: yes.
Comment: Not observed at significant frequency in large population cohorts (Lek et al., 2016); In silico analysis supports that this missense variant has a deleterious effect on protein structure/function; Has not been previously published as pathogenic or benign to our knowledge; This variant is associated with the following publications: (PMID: 27535533)